The following is an entry in ClinVar:

NM_017662.5(TRPM6):c.2351G>A (p.Ser784Asn)

Gene: TRPM6 (transient receptor potential cation channel subfamily M member 6; minus strand). Cytogenetic location: 9q21.13.
Variant type: single nucleotide variant.
Coding change: c.2351G>A on transcript NM_017662.5 (MANE Select); coding-DNA position 2351, G replaced by A.
Protein change: p.Ser784Asn; replaces serine 784 with asparagine.
Molecular consequence: missense variant.
Genome position (GRCh38, 1-based): chr9:74,796,781, C>T on the plus strand (G>A on the coding strand, the complement: TRPM6 is on the minus strand). VCF-style: chr9-74796781-C-T. GRCh37 (hg19) VCF-style: chr9-77411697-C-T.
Other names: c.2336G>A, p.Ser779Asn (NM_001177310.2, NM_001177311.2); c.2351G>A (NM_017662.4); short protein forms S779N, S784N.
Identifiers: ClinVar variation 2986697 (VCV002986697.2), dbSNP rs145788992, ClinGen allele CA194300871.
Genomic context (GRCh38, chr9:74,796,781, plus strand): 5'-CATTATGATTTTGCACTAACCACAGAAGCACTTTCTTTGGAACTGCTGGCGTTCTGGTCA[C>T]TGTAATACCACATAAATTGGAAGTCCTGGGACTGGGGAACATGTGACATCTCAGCTTTGC-3'
Protein context (NP_060132.3, residues 774-794): SQDFQFMWYY[Ser784Asn]DQNASSSKES

ClinVar aggregate classification (germline): Uncertain significance. Review status: criteria provided, multiple submitters, no conflicts (2 of 4 stars). 2 submissions from 2 submitters: Uncertain significance (2). Last evaluated 2025-03-07.

Conditions:
Inborn genetic diseases. Identifiers: MedGen C0950123, MeSH D030342.

gnomAD v4.1: 5 of 1,614,018 alleles (0.00031%); highest among the groups gnomAD compares: Admixed American, 0.0017%; no homozygotes.

Submissions (2):

Ambry Genetics
Classification: Uncertain significance for Inborn genetic diseases. Last evaluated: 2025-03-07. Review status: criteria provided, single submitter. Criteria: Ambry Variant Classification Scheme 2023. Collection method: clinical testing. Allele origin: germline.

Labcorp Genetics (formerly Invitae), Labcorp
Classification: Uncertain significance. Last evaluated: 2023-09-13. Review status: criteria provided, single submitter. Criteria: Invitae Variant Classification Sherloc (09022015). Collection method: clinical testing. Allele origin: germline.
Comment: This sequence change replaces serine, which is neutral and polar, with asparagine, which is neutral and polar, at codon 784 of the TRPM6 protein (p.Ser784Asn). This variant is present in population databases (no rsID available, gnomAD 0.0009%). This variant has not been reported in the literature in individuals affected with TRPM6-related conditions. Advanced modeling of protein sequence and biophysical properties (such as structural, functional, and spatial information, amino acid conservation, physicochemical variation, residue mobility, and thermodynamic stability) performed at Invitae indicates that this missense variant is not expected to disrupt TRPM6 protein function. In summary, the available evidence is currently insufficient to determine the role of this variant in disease. Therefore, it has been classified as a Variant of Uncertain Significance.